The following is an entry in ClinVar:

ClinVar aggregate classification (germline): Conflicting classifications of pathogenicity. Review status: criteria provided, conflicting classifications (1 of 4 stars). 6 submissions from 6 submitters: Uncertain significance (2); Benign (1); Likely benign (2). 1 of the submissions does not count toward it. Last evaluated 2026-02-27.

Conditions:
Retinal dystrophy. Also called: Inherited retinal dystrophy. Identifiers: Orphanet 71862, MedGen C0854723, MeSH D058499, MONDO:0019118, HP:0000556.
Retinitis pigmentosa 11 (RP11). Identifiers: Orphanet 791, MedGen C1838601, MONDO:0010828, OMIM 600138.
PRPF31-related disorder. Also called: PRPF31-related condition.

Allele frequency attached by ClinVar (database versions not stated): gnomAD 0.00005 and 0.00006; gnomAD exomes 0.00006 and 0.00009; ExAC 0.00007; TOPMed 0.00007; ESP Exome Variant Server 0.00023.
gnomAD v4.1: 138 of 1,611,604 alleles (0.0086%); highest among the groups gnomAD compares: East Asian, 0.029%; no homozygotes.

Submissions (6):

PreventionGenetics, part of Exact Sciences
Classification: Uncertain significance for PRPF31-related condition. Last evaluated: 2026-02-27. Review status: criteria provided, single submitter. Criteria: ACMG Guidelines, 2015. Collection method: clinical testing. Allele origin: germline.
Comment: The PRPF31 c.251T>C variant is predicted to result in the amino acid substitution p.Val84Ala. This variant has been reported in a large cohort of individuals with inherited retinal disease (Table S5, Koyanagi et al. 2019. PubMed ID: 31213501). This variant is reported in 0.010% of alleles in individuals of East Asian descent in gnomAD. At this time, the clinical significance of this variant is uncertain due to the absence of conclusive functional and genetic evidence.

Labcorp Genetics (formerly Invitae), Labcorp
Classification: Uncertain significance. Last evaluated: 2025-12-03. Review status: criteria provided, single submitter. Criteria: Invitae Variant Classification Sherloc (09022015). Collection method: clinical testing. Allele origin: germline.
Comment: This sequence change replaces valine, which is neutral and non-polar, with alanine, which is neutral and non-polar, at codon 84 of the PRPF31 protein (p.Val84Ala). This variant is present in population databases (rs369049017, gnomAD 0.01%). This missense change has been observed in individual(s) with retinitis pigmentosa (PMID: 31213501). ClinVar contains an entry for this variant (Variation ID: 1471211). An algorithm developed to predict the effect of missense changes on protein structure and function (PolyPhen-2) suggests that this variant is likely to be tolerated. In summary, the available evidence is currently insufficient to determine the role of this variant in disease. Therefore, it has been classified as a Variant of Uncertain Significance.

Victorian Clinical Genetics Services, Murdoch Childrens Research Institute
Classification: Likely benign for Retinitis pigmentosa 11. Last evaluated: 2024-10-09. Review status: criteria provided, single submitter. Criteria: ACMG Guidelines, 2015. Collection method: clinical testing. Allele origin: germline. Inheritance: Autosomal dominant inheritance. Affected: yes.
Comment: Based on the classification scheme VCGS_Germline_v1.3.4, this variant is classified as Likely benign. Following criteria are met: 0102 - Loss of function is a known mechanism of disease in this gene and is associated with retinitis pigmentosa 11, (MIM#600138). (I) 0107 - This gene is associated with autosomal dominant disease. (I) 0112 - The condition associated with this gene has incomplete penetrance. Obligate carriers may be completely asymptomatic (PMID: 32014492). (I) 0115 - Variants in this gene are known to have variable expressivity. Intrafamilial variability of the severity of eye disease is common (PMID:32014492). (I) 0200 - Variant is predicted to result in a missense amino acid change from valine to alanine. (I) 0251 - This variant is heterozygous. (I) 0302 - Variant is present in gnomAD (v2) <0.001 for a dominant condition (15 heterozygotes, 0 homozygotes). (SP) 0502 - Missense variant with conflicting in silico predictions and uninformative conservation. (I) 0604 - Variant is not located in an established domain, motif, hotspot or informative constraint region. (I) 0705 - No comparable missense variants have previous evidence for pathogenicity. (I) 0809 - Previous evidence of pathogenicity for this variant is inconclusive. This variant has been reported once as a variant of unknown significance (ClinVar) and is seen in three cases of retinitis pigmentosa in a large cohort study where this variant was classified as a variant of unknown significance (PMID: 31213501). (I) 0905 - No published segregation evidence has been identified for this variant. (I) 1007 - No published functional evidence has been identified for this variant. (I) 1208 - Inheritance information for this variant is not currently available in this individual. (I) Legend: (SP) - Supporting pathogenic, (I) - Information, (SB) - Supporting benign

Blueprint Genetics
Classification: Likely benign. Last evaluated: 2024-01-18. Review status: criteria provided, single submitter. Criteria: ACMG Guidelines, 2015. Collection method: clinical testing. Allele origin: germline.

Dept Of Ophthalmology, Nagoya University
Classification: Benign for Retinal dystrophy. Last evaluated: 2023-10-01. Review status: criteria provided, single submitter. Criteria: Submitter's publication. Collection method: research. Allele origin: germline. Affected: yes.

Institute of Human Genetics, Univ. Regensburg, Univ. Regensburg
Classification: Uncertain significance for Retinal dystrophy. Last evaluated: 2021-01-01. Review status: no assertion criteria provided. Criteria: ACMG Guidelines, 2015. Collection method: clinical testing. Allele origin: germline. Affected: yes. Not counted in ClinVar's aggregate classification.

Literature cited by the submitters: PubMed 31213501 (cited by Labcorp Genetics (formerly Invitae), Labcorp and Victorian Clinical Genetics Services, Murdoch Childrens Research Institute); PubMed 3123501 (cited by Victorian Clinical Genetics Services, Murdoch Childrens Research Institute); PubMed 32014492 (cited by Victorian Clinical Genetics Services, Murdoch Childrens Research Institute).

NM_015629.4(PRPF31):c.251T>C (p.Val84Ala)

Genes: PRPF31 (pre-mRNA processing factor 31; plus strand), PRPF31-AS1 (PRPF31 antisense RNA 1; minus strand). Cytogenetic location: 19q13.42.
Variant type: single nucleotide variant.
Coding change: c.251T>C on transcript NM_015629.4 (MANE Select); coding-DNA position 251, T replaced by C.
Protein change: p.Val84Ala; replaces valine 84 with alanine.
Molecular consequence: missense variant.
Genome position (GRCh38, 1-based): chr19:54,121,872, T>C. VCF-style: chr19-54121872-T-C. GRCh37 (hg19) VCF-style: chr19-54625251-T-C.
Other names: c.251T>C (NM_015629.3); short protein forms V84A.
Identifiers: ClinVar variation 1471211 (VCV001471211.11), dbSNP rs369049017, ClinGen allele CA309323447.
Genomic context (GRCh38, chr19:54,121,872, plus strand): 5'-GGGGGTAGGGATTTAGATACTCACACCCATGCCTCCGTGTCCTCACAGTGATGGGACCAG[T>C]GGAGGCCGCGCCTGAATACCGCGTCATCGTGGATGCCAACAACCTGACCGTGGAGATCGA-3'
Protein context (NP_056444.3, residues 74-94): QAKASEVMGP[Val84Ala]EAAPEYRVIV